The following is an entry in ClinVar:

NM_000368.5(TSC1):c.2546_2552del (p.Asn849fs)

Gene: TSC1 (TSC complex subunit 1; minus strand). Cytogenetic location: 9q34.13.
Variant type: Deletion.
Coding change: c.2546_2552del on transcript NM_000368.5 (MANE Select); coding-DNA positions 2546 to 2552, 7 bases deleted (ACAGGCA; older notation c.2546_2552delACAGGCA).
Protein change: p.Asn849fs; shifts the reading frame from asparagine 849.
Molecular consequence: frameshift variant.
Genome position (GRCh38, 1-based): chr9:132,900,788-132,900,794, TGCCTGT deleted on the plus strand (ACAGGCA on the coding strand, the reverse complement: TSC1 is on the minus strand); deleting any 7 consecutive bases within chr9:132,900,788-132,900,795 gives the same sequence; the c. name uses the placement nearest the transcript's 3' end. VCF-style (leftmost placement, unchanged base first): chr9-132900787-CTGCCTGT-C. GRCh37 (hg19) VCF-style: chr9-135776174-CTGCCTGT-C.
Other names: c.2543_2549del, p.Asn848fs (NM_001162426.2); c.2393_2399del, p.Asn798fs (NM_001162427.2); c.2183_2189del, p.Asn728fs (NM_001362177.2); c.2545_2551delAACAGGC, p.Asn849Serfs (NM_001406592.1, NM_001406593.1, NM_001406594.1 and 2 more transcripts); c.2542_2548delAACAGGC, p.Asn848Serfs (NM_001406597.1, NM_001406598.1, NM_001406599.1 and 1 more transcripts); c.2530_2536delAACAGGC, p.Asn844Serfs (NM_001406601.1, NM_001406602.1); c.2527_2533delAACAGGC, p.Asn843Serfs (NM_001406603.1, NM_001406604.1); c.2503_2509delAACAGGC, p.Asn835Serfs (NM_001406605.1, NM_001406606.1, NM_001406607.1); and 12 more; short protein forms N848fs, N728fs, N798fs, N849fs.
Identifiers: ClinVar variation 1792882 (VCV001792882.2), dbSNP rs2538550958, ClinGen allele CA2580080131.

ClinVar aggregate classification (germline): Pathogenic (1 of 4 stars; one submission).

Conditions:
Hereditary cancer-predisposing syndrome. Also called: Tumor predisposition; Hereditary Cancer Syndrome; Neoplastic Syndromes, Hereditary; Hereditary neoplastic syndrome. Identifiers: Orphanet 140162, MedGen C0027672, MeSH D009386, MONDO:0015356.

Submission:

Ambry Genetics
Classification: Pathogenic for Hereditary cancer-predisposing syndrome. Last evaluated: 2019-07-11. Review status: criteria provided, single submitter. Criteria: Ambry Variant Classification Scheme 2023. Collection method: clinical testing. Allele origin: germline.
Comment: The c.2546_2552delACAGGCA pathogenic mutation, located in coding exon 18 of the TSC1 gene, results from a deletion of 7 nucleotides at nucleotide positions 2546 to 2552, causing a translational frameshift with a predicted alternate stop codon (p.N849Sfs*27). This alteration is expected to result in loss of function by premature protein truncation or nonsense-mediated mRNA decay. As such, this alteration is interpreted as a disease-causing mutation.